The following is an entry in ClinVar:

ClinVar aggregate classification (germline): Likely benign. Review status: criteria provided, multiple submitters, no conflicts (2 of 4 stars). 2 submissions from 2 submitters: Likely benign (2). Last evaluated 2025-09-17.

Conditions:
Hereditary retinoblastoma. Identifiers: Orphanet 357027, MedGen C0751483, MONDO:0018160.

Allele frequency attached by ClinVar (database versions not stated): gnomAD 0.01058 and 0.00996; 1000 Genomes Project 0.01138; 1000 Genomes Project 30x 0.01156; gnomAD exomes 0.00076; TOPMed 0.01044.
gnomAD v4.1: 2,420 of 1,271,346 alleles (0.19%); highest among the groups gnomAD compares: African/African-American, 3.5%; 44 homozygotes.

Submissions (2):

Ramesar Group, Division of Human Genetics, Institute of Infectious Diseases and Molecular Medicine, UCT/MRC Genomic and Precision Medicine Research Unit, University of Cape Town
Classification: Likely benign for Hereditary retinoblastoma. Last evaluated: 2025-09-17. Review status: criteria provided, single submitter. Criteria: ACMG Guidelines, 2015. Collection method: research. Allele origin: germline. Affected: no.
Comment: BP5 - Variant found in a patient with a different retinal disease; RB1 is not associated with the phenotype BP7 - A non-coding variant with no predicted effect on splicing (SpliceAI scores are negligible)

GeneDx
Classification: Likely benign. Last evaluated: 2018-06-26. Review status: criteria provided, single submitter. Criteria: GeneDx Variant Classification Process June 2021. Collection method: clinical testing. Allele origin: germline. Affected: yes.

NM_000321.3(RB1):c.137+94C>T

Gene: RB1 (RB transcriptional corepressor 1; plus strand). Cytogenetic location: 13q14.2.
Variant type: single nucleotide variant.
Coding change: c.137+94C>T on transcript NM_000321.3 (MANE Select); 94 bases into the intron after coding-DNA position 137, C replaced by T.
Molecular consequence: intron variant.
Genome position (GRCh38, 1-based): chr13:48,304,143, C>T. VCF-style: chr13-48304143-C-T. GRCh37 (hg19) VCF-style: chr13-48878279-C-T.
Identifiers: ClinVar variation 1191479 (VCV001191479.3), dbSNP rs191994935, ClinGen allele CA249842047.